The following is an entry in ClinVar:

NM_138387.4(G6PC3):c.616C>G (p.Leu206Val)

Gene: G6PC3 (glucose-6-phosphatase catalytic subunit 3; plus strand). Cytogenetic location: 17q21.31.
Variant type: single nucleotide variant.
Coding change: c.616C>G on transcript NM_138387.4 (MANE Select); coding-DNA position 616, C replaced by G.
Protein change: p.Leu206Val; replaces leucine 206 with valine.
Molecular consequence: missense variant.
Genome position (GRCh38, 1-based): chr17:44,075,390, C>G. VCF-style: chr17-44075390-C-G. GRCh37 (hg19) VCF-style: chr17-42152758-C-G.
Other names: c.497C>G, p.Pro166Arg (NM_001319945.2); c.271C>G, p.Leu91Val (NM_001384165.1, NM_001384166.1, NM_001384167.1 and 1 more transcripts); short protein forms P166R, L91V, L206V.
Identifiers: ClinVar variation 4825569 (VCV004825569.1).

ClinVar aggregate classification (germline): Uncertain significance (1 of 4 stars; one submission).

Conditions:
Inborn genetic diseases. Identifiers: MedGen C0950123, MeSH D030342.

Submission:

Ambry Genetics
Classification: Uncertain significance for Inborn genetic diseases. Last evaluated: 2026-01-23. Review status: criteria provided, single submitter. Criteria: Ambry Variant Classification Scheme 2023. Collection method: clinical testing. Allele origin: germline.
Comment: The p.L206V variant (also known as c.616C>G), located in coding exon 5 of the G6PC3 gene, results from a C to G substitution at nucleotide position 616. The leucine at codon 206 is replaced by valine, an amino acid with highly similar properties. This amino acid position is conserved. In addition, the in silico prediction for this alteration is inconclusive. Based on the available evidence, the clinical significance of this variant remains unclear.